The following is an entry in ClinVar:

NM_005120.3(MED12):c.5849A>T (p.His1950Leu)

Gene: MED12 (mediator complex subunit 12; plus strand). Cytogenetic location: Xq13.1.
Variant type: single nucleotide variant.
Coding change: c.5849A>T on transcript NM_005120.3 (MANE Select); coding-DNA position 5849, A replaced by T.
Protein change: p.His1950Leu; replaces histidine 1950 with leucine.
Molecular consequence: missense variant.
Genome position (GRCh38, 1-based): chrX:71,137,748, A>T. VCF-style: chrX-71137748-A-T. GRCh37 (hg19) VCF-style: chrX-70357598-A-T.
Other names: short protein forms H1950L.
Identifiers: ClinVar variation 1390900 (VCV001390900.8), dbSNP rs2092336344, ClinGen allele CA413539035.

ClinVar aggregate classification (germline): Uncertain significance (1 of 4 stars; one submission).

Conditions:
FG syndrome (FGS). Identifiers: MedGen C0220769, MONDO:0002010.

Submission:

Labcorp Genetics (formerly Invitae), Labcorp
Classification: Uncertain significance for FG syndrome. Last evaluated: 2021-06-24. Review status: criteria provided, single submitter. Criteria: Invitae Variant Classification Sherloc (09022015). Collection method: clinical testing. Allele origin: germline.
Comment: In summary, the available evidence is currently insufficient to determine the role of this variant in disease. Therefore, it has been classified as a Variant of Uncertain Significance. This variant has not been reported in the literature in individuals with MED12-related conditions. Algorithms developed to predict the effect of missense changes on protein structure and function are either unavailable or do not agree on the potential impact of this missense change (SIFT: "Deleterious"; PolyPhen-2: "Possibly Damaging"; Align-GVGD: "Class C0"). This sequence change replaces histidine with leucine at codon 1950 of the MED12 protein (p.His1950Leu). The histidine residue is highly conserved and there is a moderate physicochemical difference between histidine and leucine. This variant is not present in population databases (ExAC no frequency).